The following is an entry in ClinVar:

NM_007294.4(BRCA1):c.249T>C (p.Val83=)

Gene: BRCA1 (BRCA1 DNA repair associated; minus strand). Cytogenetic location: 17q21.31.
Variant type: single nucleotide variant.
Coding change: c.249T>C on transcript NM_007294.4 (MANE Select); coding-DNA position 249, T replaced by C.
Protein change: p.Val83=; no amino-acid change (valine 83 retained).
Molecular consequence: synonymous variant. On other transcripts: 5 prime UTR variant (7), intron variant (2).
Genome position (GRCh38, 1-based): chr17:43,104,920, A>G on the plus strand (T>C on the coding strand, the complement: BRCA1 is on the minus strand). VCF-style: chr17-43104920-A-G. GRCh37 (hg19) VCF-style: chr17-41256937-A-G.
Other names: c.39T>C, p.Val13= (NM_001407571.1, NM_001407853.1, NM_001407879.1 and 58 more transcripts); c.249T>C, p.Val83= (NM_001407581.1, NM_001407582.1, NM_001407583.1 and 168 more transcripts); c.171T>C, p.Val57= (NM_001407653.1, NM_001407654.1, NM_001407655.1 and 21 more transcripts); c.108T>C, p.Val36= (NM_001407692.1, NM_001407694.1, NM_001407695.1 and 99 more transcripts); c.-133T>C (NM_001407959.1, NM_001407960.1, NM_001407962.1 and 4 more transcripts); c.117T>C, p.Val39= (NM_001408451.1); c.-218-10060T>C (NM_001407967.1, NM_001407966.1).
Identifiers: ClinVar variation 427335 (VCV000427335.14), dbSNP rs780485347, ClinGen allele CA055469.
Genomic context (GRCh38, chr17:43,104,920, plus strand): 5'-ACACTTACACTCCAAACCTGTGTCAAGCTGAAAAGCACAAATGATTTTCAATAGCTCTTC[A>G]ACAAGTTGACTAAATCTCGTACTTTCTTGTAGGCTCCTGAAATTAAATTGTTTGAGAAAC-3'
Protein context (NP_009225.1, residues 73-93): LQESTRFSQL[Val83=]EELLKIICAF

ClinVar aggregate classification (germline): Likely benign. Review status: reviewed by expert panel (3 of 4 stars). 2 submissions from 2 submitters: Likely benign (1). 1 of the submissions does not count toward it. Last evaluated 2017-06-29.

Conditions:
Hereditary breast ovarian cancer syndrome. Also called: Hereditary breast and ovarian cancer syndrome (HBOC); BRCA1- and BRCA2-Associated Hereditary Breast and Ovarian Cancer; Hereditary breast and/or ovarian cancer syndrome; Hereditary breast and ovarian cancer syndrome; Hereditary breast and ovarian cancer; Breast and ovarian cancer. Identifiers: Orphanet 145, MedGen C0677776, MeSH D061325, MONDO:0003582. Disease mechanism: loss of function.
Breast-ovarian cancer, familial, susceptibility to, 1 (BROVCA1). Also called: BRCA1 Hereditary Breast and Ovarian Cancer; OVARIAN CANCER, SUSCEPTIBILITY TO. Identifiers: Orphanet 145, MedGen C2676676, MONDO:0011450, OMIM 604370. Disease mechanism: loss of function.

Allele frequency attached by ClinVar (database versions not stated): ExAC 0.00001; gnomAD exomes 0.00001.

Submissions (3):

Evidence-based Network for the Interpretation of Germline Mutant Alleles (ENIGMA)
Classification: Likely benign for Breast-ovarian cancer, familial, susceptibility to, 1. Last evaluated: 2017-06-29. Review status: reviewed by expert panel. Criteria: ENIGMA BRCA1/2 Classification Criteria (2017-06-29). Collection method: curation. Allele origin: germline.
Comment: Synonymous substitution variant, with low bioinformatic likelihood to result in a splicing aberration (Splicing prior probability 0.02).

Labcorp Genetics (formerly Invitae), Labcorp
Classification: Likely benign for Hereditary breast ovarian cancer syndrome. Last evaluated: 2025-04-23. Review status: criteria provided, single submitter. Criteria: Invitae Variant Classification Sherloc (09022015). Collection method: clinical testing. Allele origin: germline. Not counted in ClinVar's aggregate classification.

Brotman Baty Institute, University of Washington
No classification provided (evidence only). Condition: Breast-ovarian cancer, familial 1. Review status: no classification provided. Collection method: in vitro. Allele origin: not applicable. Functional consequence: functionally_normal. Not counted in ClinVar's aggregate classification.
ClinVar note: "not provided" was previously submitted as the classification for the variant. However, the classification appeared to be based only on an observation of functional data so it was converted to no classification on 2025-07-30.